The following is an entry in ClinVar:

NM_000203.5(IDUA):c.775A>C (p.Ile259Leu)

Gene: IDUA (alpha-L-iduronidase; plus strand). Cytogenetic location: 4p16.3.
Variant type: single nucleotide variant.
Coding change: c.775A>C on transcript NM_000203.5 (MANE Select); coding-DNA position 775, A replaced by C.
Protein change: p.Ile259Leu; replaces isoleucine 259 with leucine.
Molecular consequence: missense variant. On other transcripts: non-coding transcript variant (1).
Genome position (GRCh38, 1-based): chr4:1,001,864, A>C. VCF-style: chr4-1001864-A-C. GRCh37 (hg19) VCF-style: chr4-995652-A-C.
Other names: c.379A>C, p.Ile127Leu (NM_001363576.1); short protein forms I127L, I259L.
Identifiers: ClinVar variation 1482999 (VCV001482999.10), dbSNP rs2153022099, ClinGen allele CA355962243.

ClinVar aggregate classification (germline): Uncertain significance. Review status: criteria provided, multiple submitters, no conflicts (2 of 4 stars). 2 submissions from 2 submitters: Uncertain significance (2). Last evaluated 2021-04-16.

Conditions:
Mucopolysaccharidosis type 1. Also called: IDUA deficiency; MPS I; Mucopolysaccharidosis Type I. Identifiers: Orphanet 579, MedGen C0023786, MONDO:0001586.

Submissions (2):

Labcorp Genetics (formerly Invitae), Labcorp
Classification: Uncertain significance for Mucopolysaccharidosis type 1. Last evaluated: 2021-04-16. Review status: criteria provided, single submitter. Criteria: Invitae Variant Classification Sherloc (09022015). Collection method: clinical testing. Allele origin: germline.
Comment: In summary, the available evidence is currently insufficient to determine the role of this variant in disease. Therefore, it has been classified as a Variant of Uncertain Significance. Advanced modeling of protein sequence and biophysical properties (such as structural, functional, and spatial information, amino acid conservation, physicochemical variation, residue mobility, and thermodynamic stability) performed at Invitae indicates that this missense variant is expected to disrupt IDUA protein function. This variant has not been reported in the literature in individuals with IDUA-related conditions. This variant is not present in population databases (ExAC no frequency). This sequence change replaces isoleucine with leucine at codon 259 of the IDUA protein (p.Ile259Leu). The isoleucine residue is highly conserved and there is a small physicochemical difference between isoleucine and leucine.

Revvity Omics, Revvity
Classification: Uncertain significance. Last evaluated: 2021-02-19. Review status: criteria provided, single submitter. Criteria: ACMG Guidelines, 2015. Collection method: clinical testing. Allele origin: germline.